The following is an entry in ClinVar:

NM_198506.5(LRIT3):c.1178C>G (p.Pro393Arg)

Gene: LRIT3 (leucine rich repeat, Ig-like and transmembrane domains 3; plus strand). Cytogenetic location: 4q25.
Variant type: single nucleotide variant.
Coding change: c.1178C>G on transcript NM_198506.5 (MANE Select); coding-DNA position 1178, C replaced by G.
Protein change: p.Pro393Arg; replaces proline 393 with arginine.
Molecular consequence: missense variant.
Genome position (GRCh38, 1-based): chr4:109,869,927, C>G. VCF-style: chr4-109869927-C-G. GRCh37 (hg19) VCF-style: chr4-110791083-C-G.
Other names: short protein forms P393R.
Identifiers: ClinVar variation 1351384 (VCV001351384.8), dbSNP rs1734782459, ClinGen allele CA357870458.
Genomic context (GRCh38, chr4:109,869,927, plus strand): 5'-CTGGAAGATCTACATCTGTATCTAGCGCATCATCATATCTTTGGTCCTCTTCCTTCTCCC[C>G]CACATCTTCTTTTTCTGCTTCTACTTTGTCTCCTCCCTCTACTGCTTCCTTCTCTTTATC-3'
Protein context (NP_940908.3, residues 383-403): SSYLWSSSFS[Pro393Arg]TSSFSASTLS

ClinVar aggregate classification (germline): Uncertain significance (1 of 4 stars; one submission).

Allele frequency attached by ClinVar (database versions not stated): TOPMed below 0.00001.

Submission:

Labcorp Genetics (formerly Invitae), Labcorp
Classification: Uncertain significance. Last evaluated: 2022-02-02. Review status: criteria provided, single submitter. Criteria: Invitae Variant Classification Sherloc (09022015). Collection method: clinical testing. Allele origin: germline.
Comment: In summary, the available evidence is currently insufficient to determine the role of this variant in disease. Therefore, it has been classified as a Variant of Uncertain Significance. Algorithms developed to predict the effect of missense changes on protein structure and function are either unavailable or do not agree on the potential impact of this missense change (SIFT: "Deleterious"; PolyPhen-2: "Benign"; Align-GVGD: "Class C0"). This variant has not been reported in the literature in individuals affected with LRIT3-related conditions. This variant is not present in population databases (gnomAD no frequency). This sequence change replaces proline, which is neutral and non-polar, with arginine, which is basic and polar, at codon 393 of the LRIT3 protein (p.Pro393Arg).